The following is an entry in ClinVar:

NM_001458.5(FLNC):c.674C>T (p.Ala225Val)

Gene: FLNC (filamin C; plus strand). Cytogenetic location: 7q32.1.
Variant type: single nucleotide variant.
Coding change: c.674C>T on transcript NM_001458.5 (MANE Select); coding-DNA position 674, C replaced by T.
Protein change: p.Ala225Val; replaces alanine 225 with valine.
Molecular consequence: missense variant.
Genome position (GRCh38, 1-based): chr7:128,837,232, C>T. VCF-style: chr7-128837232-C-T. GRCh37 (hg19) VCF-style: chr7-128477286-C-T.
Other names: c.674C>T, p.Ala225Val (NM_001127487.2); short protein forms A225V.
Identifiers: ClinVar variation 2129403 (VCV002129403.4), dbSNP rs2536617673, ClinGen allele CA369221450.

ClinVar aggregate classification (germline): Uncertain significance (1 of 4 stars; one submission).

Conditions:
Myofibrillar myopathy 5. Also called: Filaminopathy (type); FILAMINOPATHY, AUTOSOMAL DOMINANT. Identifiers: Orphanet 171445, MedGen C1836050, MONDO:0012289, OMIM 609524.
Hypertrophic cardiomyopathy 26. Also called: Cardiomyopathy, familial hypertrophic, 26. Identifiers: Orphanet 75249, MedGen C4310749, MONDO:0014883, OMIM 617047.
Distal myopathy with posterior leg and anterior hand involvement. Also called: WILLIAMS DISTAL MYOPATHY. Identifiers: Orphanet 63273, MedGen C3279722, MONDO:0013550, OMIM 614065.

Allele frequency attached by ClinVar (database versions not stated): gnomAD exomes below 0.00001.
gnomAD v4.1: 1 of 1,591,660 alleles (0.000063%); highest among the groups gnomAD compares: Non-Finnish European, 0.000086%; no homozygotes.

Submission:

Labcorp Genetics (formerly Invitae), Labcorp
Classification: Uncertain significance for Distal myopathy with posterior leg and anterior hand involvement; Myofibrillar myopathy 5; Hypertrophic cardiomyopathy 26. Last evaluated: 2022-11-01. Review status: criteria provided, single submitter. Criteria: Invitae Variant Classification Sherloc (09022015). Collection method: clinical testing. Allele origin: germline.
Comment: This sequence change replaces alanine, which is neutral and non-polar, with valine, which is neutral and non-polar, at codon 225 of the FLNC protein (p.Ala225Val). This variant is not present in population databases (gnomAD no frequency). This variant has not been reported in the literature in individuals affected with FLNC-related conditions. Advanced modeling of protein sequence and biophysical properties (such as structural, functional, and spatial information, amino acid conservation, physicochemical variation, residue mobility, and thermodynamic stability) has been performed at Invitae for this missense variant, however the output from this modeling did not meet the statistical confidence thresholds required to predict the impact of this variant on FLNC protein function. In summary, the available evidence is currently insufficient to determine the role of this variant in disease. Therefore, it has been classified as a Variant of Uncertain Significance.